The following is an entry in ClinVar:

NM_024529.5(CDC73):c.935T>G (p.Met312Arg)

Gene: CDC73 (cell division cycle 73; plus strand). Cytogenetic location: 1q31.2.
Variant type: single nucleotide variant.
Coding change: c.935T>G on transcript NM_024529.5 (MANE Select); coding-DNA position 935, T replaced by G.
Protein change: p.Met312Arg; replaces methionine 312 with arginine.
Molecular consequence: missense variant.
Genome position (GRCh38, 1-based): chr1:193,152,407, T>G. VCF-style: chr1-193152407-T-G. GRCh37 (hg19) VCF-style: chr1-193121537-T-G.
Other names: short protein forms M312R.
Identifiers: ClinVar variation 4868347 (VCV004868347.1).

ClinVar aggregate classification (germline): Uncertain significance (1 of 4 stars; one submission).

Conditions:
Hereditary cancer-predisposing syndrome. Also called: Neoplastic Syndromes, Hereditary; Tumor predisposition; Hereditary Cancer Syndrome; Hereditary neoplastic syndrome. Identifiers: Orphanet 140162, MedGen C0027672, MeSH D009386, MONDO:0015356.

Submission:

Ambry Genetics
Classification: Uncertain significance for Hereditary cancer-predisposing syndrome. Last evaluated: 2026-03-15. Review status: criteria provided, single submitter. Criteria: Ambry Variant Classification Scheme 2023. Collection method: clinical testing. Allele origin: germline.
Comment: The p.M312R variant (also known as c.935T>G), located in coding exon 10 of the CDC73 gene, results from a T to G substitution at nucleotide position 935. The methionine at codon 312 is replaced by arginine, an amino acid with similar properties. This amino acid position is conserved. In addition, this alteration is predicted to be tolerated by in silico analysis. Based on the available evidence, the clinical significance of this variant remains unclear.